The following is an entry in ClinVar:

NM_003000.3(SDHB):c.823_825del (p.Glu275del)

Gene: SDHB (succinate dehydrogenase complex iron sulfur subunit B; minus strand). Cytogenetic location: 1p36.13.
Variant type: Deletion.
Coding change: c.823_825del on transcript NM_003000.3 (MANE Select); coding-DNA positions 823 to 825, 3 bases deleted (GAG; older notation c.823_825delGAG).
Protein change: p.Glu275del; deletes glutamic acid 275.
Molecular consequence: inframe deletion.
Genome position (GRCh38, 1-based): chr1:17,018,899-17,018,901, CTC deleted on the plus strand (GAG on the coding strand, the reverse complement: SDHB is on the minus strand); deleting any 3 consecutive bases within chr1:17,018,899-17,018,903 gives the same sequence; the c. name uses the placement nearest the transcript's 3' end. VCF-style (leftmost placement, unchanged base first): chr1-17018898-TCTC-T. GRCh37 (hg19) VCF-style: chr1-17345393-TCTC-T.
Other names: short protein forms E275del.
Identifiers: ClinVar variation 855785 (VCV000855785.8), dbSNP rs1221042239, ClinGen allele CA890983176.

ClinVar aggregate classification (germline): Uncertain significance. Review status: criteria provided, multiple submitters, no conflicts (2 of 4 stars). 2 submissions from 2 submitters: Uncertain significance (2). Last evaluated 2023-04-03.

Conditions:
Hereditary pheochromocytoma and paraganglioma. Also called: Hereditary pheochromocytoma-paraganglioma; Hereditary Paraganglioma-Pheochromocytoma Syndromes; Hereditary paragangliomas and pheochromocytomas. Identifiers: Orphanet 29072, MedGen C4274332, MONDO:0017366.
Pheochromocytoma/paraganglioma syndrome 4. Also called: CAROTID BODY TUMORS AND MULTIPLE EXTRAADRENAL PHEOCHROMOCYTOMAS; SDHB-Related Hereditary Paraganglioma-Pheochromocytoma Syndrome (Paragangliomas 4); SDHB-Related Hereditary Paraganglioma-Pheochromocytoma Syndrome; PARAGANGLIOMA, FAMILIAL MALIGNANT; PARAGANGLIOMAS, HEREDITARY EXTRAADRENAL; PHEOCHROMOCYTOMA, FAMILIAL EXTRAADRENAL. Identifiers: Orphanet 29072, MedGen C1861848, MONDO:0007273, OMIM 115310.
Gastrointestinal stromal tumor. Also called: Gastrointestinal stromal tumor, somatic; Gastrointestinal stroma tumor. Identifiers: Orphanet 44890, MedGen C0238198, MeSH D046152, MONDO:0011719, OMIM 606764, HP:0100723.
Pheochromocytoma. Also called: MAX-Related Hereditary Paraganglioma-Pheochromocytoma Syndrome. Identifiers: Orphanet 29072, MedGen C0031511, MONDO:0008233, OMIM 171300, HP:0002666.

Submissions (2):

All of Us Research Program, National Institutes of Health
Classification: Uncertain significance for Hereditary pheochromocytoma and paraganglioma. Last evaluated: 2023-04-03. Review status: criteria provided, single submitter. Criteria: ACMG Guidelines, 2015. Collection method: clinical testing. Allele origin: germline. Inheritance: Autosomal dominant inheritance. Observed: 1 variant allele, 1 heterozygote.
Comment: This variant is a single amino acid deletion of glutamine at amino acid 275 in the SDHB protein. To our knowledge, functional studies have not been reported for this variant. This variant has not been reported in individuals affected with SDHB-related disorders in the literature. This variant has not been identified in the general population by the Genome Aggregation Database (gnomAD). The available evidence is insufficient to determine the role of this variant in disease conclusively. Therefore, this variant is classified as a Variant of Uncertain Significance.

This study involves interpretation of variants in research participants for the purpose of population health screening. Participant phenotype was not available at the time of variant classification. Additional details can be found in publication PMID: 35346344, PMCID: PMC8962531

Labcorp Genetics (formerly Invitae), Labcorp
Classification: Uncertain significance for Gastrointestinal stromal tumor; Pheochromocytoma/paraganglioma syndrome 4; Pheochromocytoma. Last evaluated: 2021-12-09. Review status: criteria provided, single submitter. Criteria: Invitae Variant Classification Sherloc (09022015). Collection method: clinical testing. Allele origin: germline.
Comment: This variant, c.823_825del, results in the deletion of 1 amino acid(s) of the SDHB protein (p.Glu275del), but otherwise preserves the integrity of the reading frame. This variant is not present in population databases (gnomAD no frequency). In summary, the available evidence is currently insufficient to determine the role of this variant in disease. Therefore, it has been classified as a Variant of Uncertain Significance. Experimental studies and prediction algorithms are not available or were not evaluated, and the functional significance of this variant is currently unknown. ClinVar contains an entry for this variant (Variation ID: 855785). This variant has not been reported in the literature in individuals affected with SDHB-related conditions.